The following is an entry in ClinVar:

ClinVar aggregate classification (germline): Uncertain significance. Review status: reviewed by expert panel (3 of 4 stars). 8 submissions from 8 submitters: Uncertain significance (1). 7 of the submissions do not count toward it. Last evaluated 2021-09-22.

Conditions:
MYH7-related disorder. Also called: MYH7-related disorders; MYH7-related condition; MYH7-related disease.
Cardiovascular phenotype. Identifiers: MedGen CN230736.
Dilated cardiomyopathy 1S (CMD1S). Identifiers: Orphanet 154, Orphanet 54260, MedGen C1834481, MONDO:0013262, OMIM 613426.
Primary dilated cardiomyopathy (DCM). Also called: Dilated Cardiomyopathy. Identifiers: Orphanet 217604, MedGen C0007193, MeSH D002311, MONDO:0005021, HP:0001644. Inheritance: Various modes of inheritance.
Primary familial dilated cardiomyopathy (FDC). Also called: Familial dilated cardiomyopathy; Hypokinetic dilated cardiomyopathy, familial. Identifiers: Orphanet 217607, MedGen C0340427, MONDO:0016333.
Hypertrophic cardiomyopathy. Also called: HYPERTROPHIC MYOCARDIOPATHY. Identifiers: Orphanet 217569, MedGen C0007194, MeSH D002312, MONDO:0005045, HP:0001639.

Submissions (8):

ClinGen Cardiomyopathy Variant Curation Expert Panel
Classification: Uncertain significance for Primary dilated cardiomyopathy. Last evaluated: 2021-09-22. Review status: reviewed by expert panel. Criteria: ClinGen CMP ACMG Specifications v1. Collection method: curation. Allele origin: germline. Inheritance: Autosomal dominant inheritance.
Comment: The NM_000257.4 (MYH7): c.4276G>A (p.Glu1426Lys) variant has been identified in 5 individuals with DCM (PS4_Supporting; Villard 2005 PMID: 1576978; Shipman 2011 PMID: 21482996; Vikhorev 2017 PMID: 29093449; GeneDx pers. comm.; LMM pers. comm.), including as a de novo occurrence in 1 infant with an additional variant in a cardiomyopathy-associated gene (GeneDx pers. comm.) and in 1 individual with HCM (Walsh 2017 PMID: 27532257; OMGL pers. comm.). Because of the additional variant observed in the individual with the de novo occurrence, the PM6 criterion was not applied. This variant has also been reported in 1 individual with LVNC and reduced ejection fraction and in 1 individual with familial nondilated cardiomyopathy and their child with LVNC (Ambry pers. comm.; Invitae pers. comm). This variant segregated with disease in 2 affected relatives with DCM from 1 family (Villard 2005 PMID: 1576978); however, this data is currently insufficient to establish co-segregation with disease and apply PP1. This variant was absent from large population studies (PM2; gnomAD v2.1.1). Computational prediction tools and conservation analyses do not provide strong support for or against an impact to the protein. In summary, due to insufficient evidence, this variant is classified as uncertain significance for dilated cardiomyopathy in an autosomal dominant manner. MYH7-specific ACMG/AMP criteria applied (Kelly 2018 PMID:29300372): PS4_Supporting, PM2, PP3.

Ambry Genetics
Classification: Likely pathogenic for Cardiovascular phenotype. Last evaluated: 2026-03-09. Review status: criteria provided, single submitter. Criteria: Ambry Variant Classification Scheme 2023. Collection method: clinical testing. Allele origin: germline. Not counted in ClinVar's aggregate classification.
Comment: The p.E1426K variant (also known as c.4276G>A), located in coding exon 29 of the MYH7 gene, results from a G to A substitution at nucleotide position 4276. The glutamic acid at codon 1426 is replaced by lysine, an amino acid with similar properties. This variant was identified in one or more individuals with features consistent with MYH7-related cardiomyopathy, and segregated with disease in at least one family (Villard E et al. Eur. Heart J., 2005 Apr;26:794-803; Shipman KE et al. J. Clin. Oncol., 2011 Jun;29:e537-8; Walsh R et al. Genet. Med., 2017 Feb;19:192-203; Verdonschot JAJ et al. Circ Genom Precis Med. 2020 Oct;13(5):476-487; Pezzoli L et al. J Cardiovasc Dev Dis. 2021 Dec;9(1); external communication; Ambry internal data). This amino acid position is highly conserved in available vertebrate species. In addition, this alteration is predicted to be deleterious by in silico analysis. This variant is considered to be rare based on population cohorts in the Genome Aggregation Database (gnomAD). Based on the majority of available evidence to date, this variant is likely to be pathogenic.

Labcorp Genetics (formerly Invitae), Labcorp
Classification: Pathogenic for Hypertrophic cardiomyopathy. Last evaluated: 2026-01-15. Review status: criteria provided, single submitter. Criteria: Invitae Variant Classification Sherloc (09022015). Collection method: clinical testing. Allele origin: germline. Not counted in ClinVar's aggregate classification.
Comment: This sequence change replaces glutamic acid, which is acidic and polar, with lysine, which is basic and polar, at codon 1426 of the MYH7 protein (p.Glu1426Lys). This variant is not present in population databases (gnomAD no frequency). This missense change has been observed in individuals with dilated cardiomyopathy and hypertrophic cardiomyopathy (PMID: 15769782, 21482996, 27532257, 32880476; internal data). It has also been observed to segregate with disease in related individuals. ClinVar contains an entry for this variant (Variation ID: 43005). Invitae Evidence Modeling of protein sequence and biophysical properties (such as structural, functional, and spatial information, amino acid conservation, physicochemical variation, residue mobility, and thermodynamic stability) indicates that this missense variant is expected to disrupt MYH7 protein function with a positive predictive value of 95%. Experimental studies have shown that this missense change affects MYH7 function (PMID: 29093449). For these reasons, this variant has been classified as Pathogenic.

GeneDx
Classification: Pathogenic. Last evaluated: 2024-12-19. Review status: criteria provided, single submitter. Criteria: GeneDx Variant Classification Process June 2021. Collection method: clinical testing. Allele origin: germline. Affected: yes. Not counted in ClinVar's aggregate classification.
Comment: Identified in patients with cardiomyopathy, particularly DCM or LVNC, referred for genetic testing at GeneDx and in published literature (PMID: 15769782, 35050212, 32880476, 22337857, 21482996, 35653365, 37652022, 35838873); Reported in an individual with severely impaired systolic function without left ventricular dilation after chemotherapy treatment; the family history was remarkable for DCM and sudden death (PMID: 21482996); Not observed at significant frequency in large population cohorts (gnomAD); In silico analysis supports that this missense variant has a deleterious effect on protein structure/function; This variant is associated with the following publications: (PMID: 25961035, 16416045, 22610119, 30065175, 23302633, 18555187, 22337857, 25332820, 24474197, 29093449, 29300372, 27802374, 32133438, 35050212, 32880476, 27532257, 35653365, 15769782, 21482996, 35838873, 37652022)

3billion
Classification: Likely pathogenic for Dilated cardiomyopathy 1S. Last evaluated: 2023-06-16. Review status: criteria provided, single submitter. Criteria: ACMG Guidelines, 2015. Collection method: clinical testing. Allele origin: germline. Affected: yes. Not counted in ClinVar's aggregate classification.
Comment: The variant is not observed in the gnomAD v2.1.1 dataset. Predicted Consequence/Location: Missense variant In silico tool predictions suggest damaging effect of the variant on gene or gene product (REVEL: 0.91; 3Cnet: 0.82). Same nucleotide change resulting in same amino acid change has been previously reported as pathogenic/likely pathogenic with strong evidence (ClinVar ID: VCV000043005 /PMID: 15769782). Therefore, this variant is classified as Likely pathogenic according to the recommendation of ACMG/AMP guideline.

Blueprint Genetics
Classification: Likely pathogenic for MYH7-related disorders. Last evaluated: 2022-05-06. Review status: criteria provided, single submitter. Criteria: ACMG Guidelines, 2015. Collection method: clinical testing. Allele origin: germline. Affected: yes. Observed: 4 variant alleles. Not counted in ClinVar's aggregate classification.

Women's Health and Genetics/Laboratory Corporation of America, LabCorp
Classification: Pathogenic for Familial dilated cardiomyopathy. Last evaluated: 2019-05-08. Review status: criteria provided, single submitter. Criteria: LabCorp Variant Classification Summary - May 2015. Collection method: clinical testing. Allele origin: germline. Not counted in ClinVar's aggregate classification.
Comment: Variant summary: MYH7 c.4276G>A (p.Glu1426Lys) results in a conservative amino acid change located in the Myosin tail domain (IPR002928) of the encoded protein sequence. Four of five in-silico tools predict a damaging effect of the variant on protein function (ACMG PP3). The variant was absent in 251934 control chromosomes (gnomAD and publication ACMG PM2). c.4276G>A has been reported in the literature in multiple individuals affected with Dilated Cardiomyopathy (Kelly_2018, Vikhorev_2017, Shipman_2011, Villard_2005). In one of these studies the variant was found to co-segregate with disease in 3 affected family members (Villard_2005). Additionally, the variant was also reported in one HCM patient as part of a large well genotyped study that included 7,855 cardiomyopathy cases although the authors classified the variant as a VUS (Walsh_2017). These data indicate that the variant is very likely to be associated with disease (ACMG PS4-moderate). Experimental evidence evaluating an impact on protein function demonstrated the variant protein to have faster relaxation kinetics and reduced passive stiffness compared to controls while the degree of cardiomyocyte apoptosis and interstitial cell apoptosis measured for the related sample was considerably increased compared to controls (Vikhorev_2017). Although, ClinGens Inherited Cardiomyopathy Expert Panel released recommendations stating that typically performed MYH7 in vitro assays were generally deemed to have relatively low positive predictive value (Kelly_2018), this publication by Vikhorev et al represents an in-vivo human tissue model representative of the pathophysiology associated with MYH7 related cardiomyopathy. The same expert panel classified c.4276G>A as a variant of uncertain significance (ClinVar, Kelly_2018). Three other ClinVar submitters (evaluation after 2014) cite the variant as uncertain significance (n=2) and once as likely pathogenic. The expert panel stated that ACMG PM1 was applicable mainly to variants located in the head region domain of MYH7 (amino acids 181-937) and that ACMG PP2 was deemed not applicable for variants located outside the head domain to avoid double counting in scenarios where ACMG PM1 could be applied. However, we believe that the ACMG PP2 rule for MYH7 can still apply for variants located outside the head domain where the ACMG PM1 evidence has not been engaged. Based on the evidence outlined above and utilizing ClinGens expert panels adapted criteria PM2, PP3 and PS4_Moderate (i.e. variant identified in greater than or equal to 6 probands with consistent phenotypes) in conjunction with ACMG PP2 and ACMG PS3 the variant was classified as pathogenic.

Laboratory for Molecular Medicine, Mass General Brigham Personalized Medicine
Classification: Uncertain significance. Last evaluated: 2014-04-18. Review status: criteria provided, single submitter. Criteria: LMM Criteria. Collection method: clinical testing. Allele origin: germline. Observed: 1 variant allele. Not counted in ClinVar's aggregate classification.
Comment: proposed classification - variant undergoing re-assessment, contact laboratory

Literature cited by the submitters: PubMed 29300372 (cited by 3 submitters); PubMed 15769782 (cited by 5 submitters); PubMed 21482996 (cited by 5 submitters); PubMed 27532257 (cited by 3 submitters); PubMed 29093449 (cited by 3 submitters); PubMed 32880476 (cited by Ambry Genetics and Labcorp Genetics (formerly Invitae), Labcorp); PubMed 35050212 (cited by Ambry Genetics).

NM_000257.4(MYH7):c.4276G>A (p.Glu1426Lys)

Genes: MHRT (myosin heavy chain associated RNA transcript; plus strand), MYH7 (myosin heavy chain 7; minus strand). Cytogenetic location: 14q11.2.
Variant type: single nucleotide variant.
Coding change: c.4276G>A on transcript NM_000257.4 (MANE Select); coding-DNA position 4276, G replaced by A.
Protein change: p.Glu1426Lys; replaces glutamic acid 1426 with lysine.
Molecular consequence: missense variant. On other transcripts: non-coding transcript variant (1).
Genome position (GRCh38, 1-based): chr14:23,417,580, C>T on the plus strand (G>A on the coding strand, the complement: MYH7 is on the minus strand). VCF-style: chr14-23417580-C-T. GRCh37 (hg19) VCF-style: chr14-23886789-C-T.
Other names: NM_000257.3(MYH7):c.4276G>A; NM_000257.4(MYH7):c.4276G>A; short protein forms E1426K.
Identifiers: ClinVar variation 43005 (VCV000043005.33), dbSNP rs397516208, ClinGen allele CA014743.